The following is an entry in ClinVar:

ClinVar aggregate classification (germline): Benign/Likely benign. Review status: criteria provided, multiple submitters, no conflicts (2 of 4 stars). 6 submissions from 6 submitters: Benign (4); Likely benign (2). Last evaluated 2026-02-02.

Conditions:
Fanconi anemia (FA). Also called: Fanconi's anemia. Identifiers: Orphanet 84, MedGen C0015625, MeSH D005199, MONDO:0019391.
Fanconi anemia complementation group I (FANCI). Also called: FANCI-Related Fanconi Anemia. Identifiers: Orphanet 84, MedGen C1836861, MONDO:0012186, OMIM 609053.

Allele frequency attached by ClinVar (database versions not stated): gnomAD exomes 0.00105 and 0.00303; ExAC 0.00361; 1000 Genomes Project 0.01038; gnomAD 0.01116 and 0.01219; 1000 Genomes Project 30x 0.01156; TOPMed 0.01325; ESP Exome Variant Server 0.01516.
gnomAD v4.1: 3,300 of 1,613,740 alleles (0.2%); highest among the groups gnomAD compares: African/African-American, 3.9%; 53 homozygotes.

Submissions (6):

Labcorp Genetics (formerly Invitae), Labcorp
Classification: Benign for Fanconi anemia. Last evaluated: 2026-02-02. Review status: criteria provided, single submitter. Criteria: Invitae Variant Classification Sherloc (09022015). Collection method: clinical testing. Allele origin: germline.

ARUP Laboratories, Molecular Genetics and Genomics, ARUP Laboratories
Classification: Benign for Fanconi anemia complementation group I. Last evaluated: 2024-05-01. Review status: criteria provided, single submitter. Criteria: ARUP Molecular Germline Variant Investigation Process 2024. Collection method: clinical testing. Allele origin: germline.

KCCC/NGS Laboratory, Kuwait Cancer Control Center
Classification: Benign for Fanconi anemia complementation group I. Last evaluated: 2023-07-07. Review status: criteria provided, single submitter. Criteria: ACMG Guidelines, 2015. Collection method: clinical testing. Allele origin: germline. Affected: yes.

GeneDx
Classification: Likely benign. Last evaluated: 2021-03-23. Review status: criteria provided, single submitter. Criteria: GeneDx Variant Classification Process June 2021. Collection method: clinical testing. Allele origin: germline. Affected: yes.

Illumina Laboratory Services, Illumina
Classification: Benign for Fanconi anemia complementation group I. Last evaluated: 2018-01-13. Review status: criteria provided, single submitter. Criteria: ICSL Variant Classification Criteria 13 December 2019. Collection method: clinical testing. Allele origin: germline.
Comment: This variant was observed in the ICSL laboratory as part of a predisposition screen in an ostensibly healthy population. It had not been previously curated by ICSL or reported in the Human Gene Mutation Database (HGMD: prior to June 1st, 2018), and was therefore a candidate for classification through an automated scoring system. Utilizing variant allele frequency, disease prevalence and penetrance estimates, and inheritance mode, an automated score was calculated to assess if this variant is too frequent to cause the disease. Based on the score and internal cut-off values, a variant classified as benign is not then subjected to further curation. The score for this variant resulted in a classification of benign for this disease.

Breakthrough Genomics
Classification: Likely benign. Review status: criteria provided, single submitter. Criteria: ACMG Guidelines, 2015. Collection method: not provided. Allele origin: germline. Inheritance: Autosomal recessive inheritance. Affected: yes.

NM_001113378.2(FANCI):c.3846C>T (p.Ser1282=)

Gene: FANCI (FA complementation group I; plus strand). Cytogenetic location: 15q26.1.
Variant type: single nucleotide variant.
Coding change: c.3846C>T on transcript NM_001113378.2 (MANE Select); coding-DNA position 3846, C replaced by T.
Protein change: p.Ser1282=; no amino-acid change (serine 1282 retained).
Molecular consequence: synonymous variant.
Genome position (GRCh38, 1-based): chr15:89,315,311, C>T. VCF-style: chr15-89315311-C-T. GRCh37 (hg19) VCF-style: chr15-89858542-C-T.
Other names: c.3567C>T, p.Ser1189= (NM_001376910.1); c.3846C>T, p.Ser1282= (NM_001376911.1); c.3666C>T, p.Ser1222= (NM_018193.3).
Identifiers: ClinVar variation 317300 (VCV000317300.20), dbSNP rs34557339, ClinGen allele CA7723935.